The following is an entry in ClinVar:

ClinVar aggregate classification (germline): Pathogenic/Likely pathogenic. Review status: criteria provided, multiple submitters, no conflicts (2 of 4 stars). 8 submissions from 8 submitters: Pathogenic (5); Likely pathogenic (2). 1 of the submissions does not count toward it. Last evaluated 2025-02-18.

Conditions:
Leber congenital amaurosis 5 (LCA5). Also called: Amaurosis congenita of Leber, type 5. Identifiers: Orphanet 65, MedGen C1858301, MONDO:0011473, OMIM 604537.
LCA5-related disorder. Also called: LCA5-related condition.
Retinal dystrophy. Also called: Inherited retinal dystrophy. Identifiers: Orphanet 71862, MedGen C0854723, MeSH D058499, MONDO:0019118, HP:0000556.

Allele frequency attached by ClinVar (database versions not stated): gnomAD exomes 0.00001; ExAC 0.00002.
gnomAD v4.1: 14 of 1,614,034 alleles (0.00087%); highest among the groups gnomAD compares: Non-Finnish European, 0.001%; no homozygotes.

Submissions (8):

Natera, Inc.
Classification: Pathogenic for Leber congenital amaurosis type 5. Last evaluated: 2025-02-18. Review status: criteria provided, single submitter. Criteria: Natera Variant Classification Schema (03/2026). Collection method: clinical testing. Allele origin: germline.
Comment: The c.103C>T variant in LCA5 is a nonsense variant predicted to introduce a stop codon at amino acid 35. This variant is expected to result in nonsense mediated decay, truncation, or a dysfunctional protein product. This variant is rare in the general population with a frequency below the threshold expected for the associated phenotype(s). This variant has been observed in one or more individuals affected with the associated recessive disease, as either homozygous or compound heterozygous with a second variant (PMID: 18000884). Given the available evidence, this variant is classified as Pathogenic.

Blueprint Genetics
Classification: Likely pathogenic for LCA5-related disorders. Last evaluated: 2024-10-31. Review status: criteria provided, single submitter. Criteria: ACMG Guidelines, 2015. Collection method: clinical testing. Allele origin: germline. Affected: yes. Observed: 1 variant allele.

Fulgent Genetics
Classification: Pathogenic for Leber congenital amaurosis 5. Last evaluated: 2024-06-04. Review status: criteria provided, single submitter. Criteria: ACMG Guidelines, 2015. Collection method: clinical testing. Allele origin: germline.

Labcorp Genetics (formerly Invitae), Labcorp
Classification: Pathogenic. Last evaluated: 2022-06-13. Review status: criteria provided, single submitter. Criteria: Invitae Variant Classification Sherloc (09022015). Collection method: clinical testing. Allele origin: germline.
Comment: This sequence change creates a premature translational stop signal (p.Arg35*) in the LCA5 gene. It is expected to result in an absent or disrupted protein product. Loss-of-function variants in LCA5 are known to be pathogenic (PMID: 17546029, 23946133). This variant is present in population databases (rs748370008, gnomAD 0.002%). This premature translational stop signal has been observed in individuals with Leber congenital amaurosis (PMID: 18000884, 24144451). ClinVar contains an entry for this variant (Variation ID: 844114). For these reasons, this variant has been classified as Pathogenic.

Ocular Genomics Institute, Massachusetts Eye and Ear
Classification: Likely pathogenic for Leber congenital amaurosis 5. Last evaluated: 2021-04-08. Review status: criteria provided, single submitter. Criteria: ACMG Guidelines, 2015. Collection method: research. Allele origin: germline. Affected: yes.
Comment: Through a review of available evidence we were able to apply the following criteria: PVS1, PM2. Based on this evidence we have classified this variant as Likely Pathogenic.

GeneDx
Classification: Pathogenic. Last evaluated: 2019-03-31. Review status: criteria provided, single submitter. Criteria: GeneDx Variant Classification Process June 2021. Collection method: clinical testing. Allele origin: germline. Affected: yes.
Comment: Observed with a second variant on the opposite allele (in trans) in a patient in the published literature (Corton et al., 2014) with features of Leber congenital amaurosis type II; Nonsense variant predicted to result in protein truncation or nonsense mediated decay in a gene for which loss-of-function is a known mechanism of disease; Not observed at a significant frequency in large population cohorts (Lek et al., 2016); This variant is associated with the following publications: (PMID: 24144451, 18000884)

Institute of Human Genetics, Univ. Regensburg, Univ. Regensburg
Classification: Pathogenic for Retinal dystrophy. Last evaluated: 2010-01-01. Review status: criteria provided, single submitter. Criteria: ACMG Guidelines, 2015. Collection method: clinical testing. Allele origin: germline. Affected: yes.

Laboratory of Genetics in Ophthalmology, Institut Imagine
Classification: Pathogenic for Leber congenital amaurosis 5. Review status: no assertion criteria provided. Collection method: research. Allele origin: inherited. Affected: yes. Observed: 1 variant allele. Not counted in ClinVar's aggregate classification.

Literature cited by the submitters: PubMed 18000884 (cited by 4 submitters); PubMed 17546029 (cited by Labcorp Genetics (formerly Invitae), Labcorp); PubMed 23946133 (cited by Labcorp Genetics (formerly Invitae), Labcorp); PubMed 24144451 (cited by Labcorp Genetics (formerly Invitae), Labcorp); PubMed 3196484 (cited by Institute of Human Genetics, Univ. Regensburg, Univ. Regensburg).

NM_001122769.3(LCA5):c.103C>T (p.Arg35Ter)

Gene: LCA5 (lebercilin LCA5; minus strand). Cytogenetic location: 6q14.1.
Variant type: single nucleotide variant.
Coding change: c.103C>T on transcript NM_001122769.3 (MANE Select); coding-DNA position 103, C replaced by T.
Protein change: p.Arg35Ter; replaces arginine 35 with a stop codon.
Molecular consequence: nonsense.
Genome position (GRCh38, 1-based): chr6:79,518,792, G>A on the plus strand (C>T on the coding strand, the complement: LCA5 is on the minus strand). VCF-style: chr6-79518792-G-A. GRCh37 (hg19) VCF-style: chr6-80228509-G-A.
Other names: c.103C>T, p.Arg35Ter (NM_181714.4); short protein forms R35*.
Identifiers: ClinVar variation 844114 (VCV000844114.18), dbSNP rs748370008, ClinGen allele CA3901212.